The following is an entry in ClinVar:

ClinVar aggregate classification (germline): Uncertain significance. Review status: criteria provided, multiple submitters, no conflicts (2 of 4 stars). 2 submissions from 2 submitters: Uncertain significance (2). Last evaluated 2025-09-16.

Conditions:
Hereditary cancer-predisposing syndrome. Also called: Neoplastic Syndromes, Hereditary; Tumor predisposition; Hereditary Cancer Syndrome; Hereditary neoplastic syndrome. Identifiers: Orphanet 140162, MedGen C0027672, MeSH D009386, MONDO:0015356.
Gastrointestinal stromal tumor. Also called: Gastrointestinal stromal tumor, somatic; Gastrointestinal stroma tumor. Identifiers: Orphanet 44890, MedGen C0238198, MeSH D046152, MONDO:0011719, OMIM 606764, HP:0100723.

Allele frequency attached by ClinVar (database versions not stated): gnomAD exomes below 0.00001.
gnomAD v4.1: 2 of 1,613,916 alleles (0.00012%); highest among the groups gnomAD compares: Non-Finnish European, 0.00017%; no homozygotes.

Submissions (2):

Labcorp Genetics (formerly Invitae), Labcorp
Classification: Uncertain significance for Gastrointestinal stromal tumor. Last evaluated: 2025-09-16. Review status: criteria provided, single submitter. Criteria: Invitae Variant Classification Sherloc (09022015). Collection method: clinical testing. Allele origin: germline.
Comment: This sequence change replaces glycine, which is neutral and non-polar, with arginine, which is basic and polar, at codon 3 of the KIT protein (p.Gly3Arg). This variant is not present in population databases (gnomAD no frequency). This variant has not been reported in the literature in individuals affected with KIT-related conditions. ClinVar contains an entry for this variant (Variation ID: 656371). An algorithm developed to predict the effect of missense changes on protein structure and function (PolyPhen-2) suggests that this variant is likely to be disruptive. In summary, the available evidence is currently insufficient to determine the role of this variant in disease. Therefore, it has been classified as a Variant of Uncertain Significance.

Ambry Genetics
Classification: Uncertain significance for Hereditary cancer-predisposing syndrome. Last evaluated: 2025-03-01. Review status: criteria provided, single submitter. Criteria: Ambry Variant Classification Scheme 2023. Collection method: clinical testing. Allele origin: germline.
Comment: The p.G3R variant (also known as c.7G>C), located in coding exon 1 of the KIT gene, results from a G to C substitution at nucleotide position 7. The glycine at codon 3 is replaced by arginine, an amino acid with dissimilar properties. This amino acid position is well conserved in available vertebrate species. In addition, this alteration is predicted to be tolerated by in silico analysis. Since supporting evidence is limited at this time, the clinical significance of this alteration remains unclear.

NM_000222.3(KIT):c.7G>C (p.Gly3Arg)

Gene: KIT (KIT proto-oncogene, receptor tyrosine kinase; plus strand). Cytogenetic location: 4q12.
Variant type: single nucleotide variant.
Coding change: c.7G>C on transcript NM_000222.3 (MANE Select); coding-DNA position 7, G replaced by C.
Protein change: p.Gly3Arg; replaces glycine 3 with arginine.
Molecular consequence: missense variant.
Genome position (GRCh38, 1-based): chr4:54,658,021, G>C. VCF-style: chr4-54658021-G-C. GRCh37 (hg19) VCF-style: chr4-55524188-G-C.
Other names: c.7G>C, p.Gly3Arg (NM_001093772.2, NM_001385284.1, NM_001385285.1 and 4 more transcripts); short protein forms G3R.
Identifiers: ClinVar variation 656371 (VCV000656371.17), dbSNP rs1577898451, ClinGen allele CA356897834.